The following is an entry in ClinVar:

ClinVar aggregate classification (germline): Likely pathogenic (3 of 4 stars; one submission).

Conditions:
Glanzmann thrombasthenia. Also called: BLEEDING DISORDER, PLATELET-TYPE, 2; THROMBASTHENIA OF GLANZMANN AND NAEGELI; PLATELET GLYCOPROTEIN IIb-IIIa DEFICIENCY; Thrombasthenia; Glanzmann's thrombasthenia. Identifiers: Orphanet 849, MedGen C0040015, MONDO:0100326.

Submission:

ClinGen Platelet Disorders Variant Curation Expert Panel, ClinGen
Classification: Likely pathogenic for Glanzmann thrombasthenia. Last evaluated: 2023-11-02. Review status: reviewed by expert panel. Criteria: ClinGen Platelet ACMG Specifications v2-1. Collection method: curation. Allele origin: germline. Inheritance: Autosomal recessive inheritance.
Comment: The NM_000419.5(ITGA2B):c.857T>A (p.Val286Asp) missense variant is absent from large population databases, including gnomADv2.1.1 (PM2_supporting). This variant has been reported in the homozygous state (PM3_supporting) in at least one proband who meets criteria for the GT phenotype, which includes history of significant mucocutaneous bleeding, absent platelet aggregation with three physiological agonists, normal with ristocetin. Flow cytometry demonstrated reduced (<5%) αIIbβ3 surface expression (PMID: 25728920; PP4_strong). The variant segregated with disease in two homozygous siblings (PMID: 36672149; PP1). In silico tools (REVEL score = 0.825) predict deleterious effects on gene function (PP3). In summary, this variant meets criteria for PP4_strong, PM2_supporting, PP3, PP1 and PM3_supporting; and is therefore classified as Likely Pathogenic for GT.

NM_000419.5(ITGA2B):c.857T>A (p.Val286Asp)

Gene: ITGA2B (integrin subunit alpha 2b; minus strand). Cytogenetic location: 17q21.31.
Variant type: single nucleotide variant.
Coding change: c.857T>A on transcript NM_000419.5 (MANE Select); coding-DNA position 857, T replaced by A.
Protein change: p.Val286Asp; replaces valine 286 with aspartic acid.
Molecular consequence: missense variant.
Genome position (GRCh38, 1-based): chr17:44,384,345, A>T on the plus strand (T>A on the coding strand, the complement: ITGA2B is on the minus strand). VCF-style: chr17-44384345-A-T. GRCh37 (hg19) VCF-style: chr17-42461713-A-T.
Other names: NM_000419.5(ITGA2B):c.857T>A; p.Val286Asp; short protein forms V286D.
Identifiers: ClinVar variation 1210210 (VCV001210210.2), dbSNP rs2143480810, ClinGen allele CA399805011.